The following is an entry in ClinVar:

NM_133372.3(FNIP1):c.2412A>G (p.Gln804=)

Gene: FNIP1 (folliculin interacting protein 1; minus strand). Cytogenetic location: 5q31.1.
Variant type: single nucleotide variant.
Coding change: c.2412A>G on transcript NM_133372.3 (MANE Select); coding-DNA position 2412, A replaced by G.
Protein change: p.Gln804=; no amino-acid change (glutamine 804 retained).
Molecular consequence: synonymous variant.
Genome position (GRCh38, 1-based): chr5:131,672,032, T>C on the plus strand (A>G on the coding strand, the complement: FNIP1 is on the minus strand). VCF-style: chr5-131672032-T-C. GRCh37 (hg19) VCF-style: chr5-131007725-T-C.
Other names: c.2328A>G, p.Gln776= (NM_001008738.3); c.2277A>G, p.Gln759= (NM_001346114.2).
Identifiers: ClinVar variation 2047649 (VCV002047649.10), dbSNP rs146785367, ClinGen allele CA3400516.
Genomic context (GRCh38, chr5:131,672,032, plus strand): 5'-CCAACAGGGAAGTTCACAGGGCTCTTCAGAAACCATGTTCTGTGTATCAGACTCTCCAGA[T>C]TGGTCCTTGGTTGTTTGTTTAGTTTCTTGATGCTGATCAATAGCCCCTCTTTCTTCCTTC-3'
Protein context (NP_588613.3, residues 794-814): HQETKQTTKD[Gln804=]SGESDTQNMV

ClinVar aggregate classification (germline): Benign/Likely benign. Review status: criteria provided, multiple submitters, no conflicts (2 of 4 stars). 2 submissions from 2 submitters: Benign (1); Likely benign (1). Last evaluated 2026-01-26.

Allele frequency attached by ClinVar (database versions not stated): ESP Exome Variant Server 0.00131; ExAC 0.00155; 1000 Genomes Project 0.00160; gnomAD 0.00189; 1000 Genomes Project 30x 0.00234; TOPMed 0.00237.
gnomAD v4.1: 3,146 of 1,614,170 alleles (0.19%); highest among the groups gnomAD compares: Admixed American, 0.51%; 9 homozygotes.

Submissions (2):

Labcorp Genetics (formerly Invitae), Labcorp
Classification: Benign. Last evaluated: 2026-01-26. Review status: criteria provided, single submitter. Criteria: Invitae Variant Classification Sherloc (09022015). Collection method: clinical testing. Allele origin: germline.

CeGaT Center for Human Genetics Tuebingen
Classification: Likely benign. Last evaluated: 2025-11-01. Review status: criteria provided, single submitter. Criteria: CeGaT Center For Human Genetics Tuebingen Variant Classification Criteria Version 2. Collection method: clinical testing. Allele origin: germline. Affected: yes. Observed: 1 variant allele.
Comment: FNIP1: BP4